The following is an entry in ClinVar:

NM_007315.4(STAT1):c.1038-3C>T

Gene: STAT1 (signal transducer and activator of transcription 1; minus strand). Cytogenetic location: 2q32.2.
Variant type: single nucleotide variant.
Coding change: c.1038-3C>T on transcript NM_007315.4 (MANE Select); 3 bases into the intron before coding-DNA position 1038, C replaced by T.
Molecular consequence: intron variant.
Genome position (GRCh38, 1-based): chr2:190,989,677, G>A on the plus strand (C>T on the coding strand, the complement: STAT1 is on the minus strand). VCF-style: chr2-190989677-G-A. GRCh37 (hg19) VCF-style: chr2-191854403-G-A.
Other names: c.948-3C>T (NM_001384890.1); c.939-3C>T (NM_001384883.1); c.879-3C>T (NM_001384885.1); c.945-3C>T (NM_001384887.1); c.1037+1551C>T (NM_001384880.1); c.1038-3C>T (NM_001384888.1, NM_001384882.1, NM_001384889.1 and 2 more transcripts); c.1074-3C>T (NM_001384891.1); c.1044-3C>T (NM_001384884.1, NM_001384881.1).
Identifiers: ClinVar variation 856748 (VCV000856748.9), dbSNP rs374148252, ClinGen allele CA2030076.

ClinVar aggregate classification (germline): Conflicting classifications of pathogenicity. Review status: criteria provided, conflicting classifications (1 of 4 stars). 2 submissions from 2 submitters: Uncertain significance (1); Likely benign (1). Last evaluated 2026-01-27.

Conditions:
Mendelian susceptibility to mycobacterial diseases due to partial STAT1 deficiency. Also called: IMMUNODEFICIENCY 31A, MYCOBACTERIOSIS, AUTOSOMAL DOMINANT; STAT1 DEFICIENCY, AUTOSOMAL DOMINANT; Immunodeficiency 31a. Identifiers: Orphanet 319595, MedGen C4013950, MONDO:0013956, OMIM 614892.
Immunodeficiency 31B. Also called: STAT1 DEFICIENCY, AUTOSOMAL RECESSIVE; IMMUNODEFICIENCY 31B, MYCOBACTERIAL AND VIRAL INFECTIONS, AUTOSOMAL RECESSIVE. Identifiers: Orphanet 391311, MedGen C3151088, MONDO:0013427, OMIM 613796.
Autoimmune enteropathy and endocrinopathy - susceptibility to chronic infections syndrome. Also called: Immunodeficiency 31C, autosomal dominant; Immunodeficiency 31C. Identifiers: Orphanet 391487, MedGen C3279990, MONDO:0013599, OMIM 614162.

Allele frequency attached by ClinVar (database versions not stated): TOPMed below 0.00001; ExAC 0.00001; gnomAD 0.00001 and 0.00003; gnomAD exomes 0.00002 and 0.00003.
gnomAD v4.1: 40 of 1,593,852 alleles (0.0025%); highest among the groups gnomAD compares: East Asian, 0.02%; no homozygotes.

Submissions (3):

Labcorp Genetics (formerly Invitae), Labcorp
Classification: Uncertain significance for Mendelian susceptibility to mycobacterial diseases due to partial STAT1 deficiency; Immunodeficiency 31B; Autoimmune enteropathy and endocrinopathy - susceptibility to chronic infections syndrome. Last evaluated: 2026-01-27. Review status: criteria provided, single submitter. Criteria: Invitae Variant Classification Sherloc (09022015). Collection method: clinical testing. Allele origin: germline.
Comment: This sequence change falls in intron 11 of the STAT1 gene. It does not directly change the encoded amino acid sequence of the STAT1 protein. It affects a nucleotide within the consensus splice site. This variant is present in population databases (rs374148252, gnomAD 0.01%). This variant has not been reported in the literature in individuals affected with STAT1-related conditions. ClinVar contains an entry for this variant (Variation ID: 856748). Variants that disrupt the consensus splice site are a relatively common cause of aberrant splicing (PMID: 17576681, 9536098). Algorithms developed to predict the effect of sequence changes on RNA splicing suggest that this variant is not likely to affect RNA splicing. In summary, the available evidence is currently insufficient to determine the role of this variant in disease. Therefore, it has been classified as a Variant of Uncertain Significance.

Blueprint Genetics
Classification: Likely benign. Last evaluated: 2024-07-12. Review status: criteria provided, single submitter. Criteria: ACMG Guidelines, 2015. Collection method: clinical testing. Allele origin: germline.

Dr. Peter K. Rogan Lab, Western University
No classification provided (evidence only). Condition: Cholangiocarcinoma. Review status: no classification provided. Collection method: in vitro. Allele origin: not applicable. Functional consequence: skipped exon. Not counted in ClinVar's aggregate classification.

Literature cited by the submitters: PubMed 17576681 (cited by Labcorp Genetics (formerly Invitae), Labcorp); PubMed 9536098 (cited by Labcorp Genetics (formerly Invitae), Labcorp).